The following is an entry in ClinVar:

ClinVar aggregate classification (germline): Pathogenic/Likely pathogenic. Review status: criteria provided, multiple submitters, no conflicts (2 of 4 stars). 3 submissions from 3 submitters: Pathogenic (2); Likely pathogenic (1). Last evaluated 2024-12-18.

Conditions:
CNGB1-related disorder. Also called: CNGB1-related condition.
Retinitis pigmentosa 45 (RP45). Identifiers: Orphanet 791, MedGen C3151066, MONDO:0013413, OMIM 613767.

Submissions (3):

Genomic Medicine Center of Excellence, King Faisal Specialist Hospital and Research Centre
Classification: Pathogenic for Retinitis pigmentosa 45. Last evaluated: 2024-12-18. Review status: criteria provided, single submitter. Criteria: ACMG Guidelines, 2015. Collection method: clinical testing. Allele origin: germline.

Labcorp Genetics (formerly Invitae), Labcorp
Classification: Pathogenic. Last evaluated: 2023-07-29. Review status: criteria provided, single submitter. Criteria: Invitae Variant Classification Sherloc (09022015). Collection method: clinical testing. Allele origin: germline.
Comment: For these reasons, this variant has been classified as Pathogenic. This variant has not been reported in the literature in individuals affected with CNGB1-related conditions. This variant is not present in population databases (gnomAD no frequency). This sequence change creates a premature translational stop signal (p.Trp659*) in the CNGB1 gene. It is expected to result in an absent or disrupted protein product. Loss-of-function variants in CNGB1 are known to be pathogenic (PMID: 15557452, 24043777).

Blueprint Genetics
Classification: Likely pathogenic for CNGB1-related disorders. Last evaluated: 2021-08-12. Review status: criteria provided, single submitter. Criteria: ACMG Guidelines, 2015. Collection method: clinical testing. Allele origin: germline. Affected: yes. Observed: 1 variant allele.

Literature cited by the submitters: PubMed 15557452 (cited by Labcorp Genetics (formerly Invitae), Labcorp); PubMed 24043777 (cited by Labcorp Genetics (formerly Invitae), Labcorp).

NM_001297.5(CNGB1):c.1977G>A (p.Trp659Ter)

Gene: CNGB1 (cyclic nucleotide gated channel subunit beta 1; minus strand). Cytogenetic location: 16q21.
Variant type: single nucleotide variant.
Coding change: c.1977G>A on transcript NM_001297.5 (MANE Select); coding-DNA position 1977, G replaced by A.
Protein change: p.Trp659Ter; replaces tryptophan 659 with a stop codon.
Molecular consequence: nonsense.
Genome position (GRCh38, 1-based): chr16:57,917,457, C>T on the plus strand (G>A on the coding strand, the complement: CNGB1 is on the minus strand). VCF-style: chr16-57917457-C-T. GRCh37 (hg19) VCF-style: chr16-57951361-C-T.
Other names: c.1959G>A, p.Trp653Ter (NM_001286130.2); short protein forms W653*, W659*.
Identifiers: ClinVar variation 2804274 (VCV002804274.5), dbSNP rs2544633550, ClinGen allele CA396064607.
Genomic context (GRCh38, chr16:57,917,457, plus strand): 5'-GGCCCAGCGCACGGGAATCAGCCAACAGTTCCAATTCCAGGCCATCACCACGAAGAACAG[C>T]CATAGGACATACATCAGGTCTGTGGGGAAGGTTGACGGGGACGCTAGAGCATCAGCCAGG-3'